The following is an entry in ClinVar:

NM_000038.6(APC):c.7501G>T (p.Ala2501Ser)

Gene: APC (APC regulator of Wnt signaling pathway; plus strand). Cytogenetic location: 5q22.2.
Variant type: single nucleotide variant.
Coding change: c.7501G>T on transcript NM_000038.6 (MANE Select); coding-DNA position 7501, G replaced by T.
Protein change: p.Ala2501Ser; replaces alanine 2501 with serine.
Molecular consequence: missense variant.
Genome position (GRCh38, 1-based): chr5:112,843,095, G>T. VCF-style: chr5-112843095-G-T. GRCh37 (hg19) VCF-style: chr5-112178792-G-T.
Other names: c.7426G>T, p.Ala2476Ser (NM_001354898.2); c.7417G>T, p.Ala2473Ser (NM_001354899.2); c.7378G>T, p.Ala2460Ser (NM_001354900.2); c.7324G>T, p.Ala2442Ser (NM_001354901.2); c.7228G>T, p.Ala2410Ser (NM_001354902.2); c.7198G>T, p.Ala2400Ser (NM_001354903.2); c.7123G>T, p.Ala2375Ser (NM_001354904.2); c.7021G>T, p.Ala2341Ser (NM_001354905.2); and 5 more; short protein forms A2218S, A2442S, A2473S, A2483S, A2341S, A2476S, A2410S, A2375S.
Identifiers: ClinVar variation 1511850 (VCV001511850.6), dbSNP rs2149988472, ClinGen allele CA16037645.

ClinVar aggregate classification (germline): Uncertain significance (1 of 4 stars; one submission).

Conditions:
Familial adenomatous polyposis 1 (FAP1). Also called: FAMILIAL ADENOMATOUS POLYPOSIS 1, ATTENUATED; POLYPOSIS, ADENOMATOUS INTESTINAL. Identifiers: MedGen C2713442, MONDO:0021056, OMIM 175100. Disease mechanism: loss of function.

Submission:

Labcorp Genetics (formerly Invitae), Labcorp
Classification: Uncertain significance for Familial adenomatous polyposis 1. Last evaluated: 2022-07-19. Review status: criteria provided, single submitter. Criteria: Invitae Variant Classification Sherloc (09022015). Collection method: clinical testing. Allele origin: germline.
Comment: This sequence change replaces alanine, which is neutral and non-polar, with serine, which is neutral and polar, at codon 2501 of the APC protein (p.Ala2501Ser). This variant is not present in population databases (gnomAD no frequency). In summary, the available evidence is currently insufficient to determine the role of this variant in disease. Therefore, it has been classified as a Variant of Uncertain Significance. Algorithms developed to predict the effect of missense changes on protein structure and function output the following: SIFT: "Tolerated"; PolyPhen-2: "Benign"; Align-GVGD: "Class C0". The serine amino acid residue is found in multiple mammalian species, which suggests that this missense change does not adversely affect protein function. ClinVar contains an entry for this variant (Variation ID: 1511850). This variant has not been reported in the literature in individuals affected with APC-related conditions.